The following is an entry in ClinVar:

NM_000138.5(FBN1):c.6607A>G (p.Thr2203Ala)

Gene: FBN1 (fibrillin 1; minus strand). Cytogenetic location: 15q21.1.
Variant type: single nucleotide variant.
Coding change: c.6607A>G on transcript NM_000138.5 (MANE Select); coding-DNA position 6607, A replaced by G.
Protein change: p.Thr2203Ala; replaces threonine 2203 with alanine.
Molecular consequence: missense variant.
Genome position (GRCh38, 1-based): chr15:48,434,603, T>C on the plus strand (A>G on the coding strand, the complement: FBN1 is on the minus strand). VCF-style: chr15-48434603-T-C. GRCh37 (hg19) VCF-style: chr15-48726800-T-C.
Other names: c.6607A>G, p.Thr2203Ala (NM_001406716.1); short protein forms T2203A.
Identifiers: ClinVar variation 1708418 (VCV001708418.2), dbSNP rs2505429264, ClinGen allele CA392334628.

ClinVar aggregate classification (germline): Uncertain significance (1 of 4 stars; one submission).

Allele frequency attached by ClinVar (database versions not stated): gnomAD exomes below 0.00001.
gnomAD v4.1: 1 of 1,613,768 alleles (0.000062%); highest among the groups gnomAD compares: Non-Finnish European, 0.000085%; no homozygotes.

Submission:

Centre of Medical Genetics, University Hospital Muenster
Classification: Uncertain significance. Last evaluated: 2022-09-27. Review status: criteria provided, single submitter. Criteria: ACMG Guidelines, 2015. Collection method: clinical testing. Allele origin: unknown. Affected: yes. Observed: 1 variant allele, 1 heterozygote.
Comment: ACMG categories: PM2